The following is an entry in ClinVar:

NM_000188.3(HK1):c.169C>G (p.Pro57Ala)

Gene: HK1 (hexokinase 1; plus strand). Cytogenetic location: 10q22.1.
Variant type: single nucleotide variant.
Coding change: c.169C>G on transcript NM_000188.3 (MANE Select); coding-DNA position 169, C replaced by G.
Protein change: p.Pro57Ala; replaces proline 57 with alanine.
Molecular consequence: missense variant.
Genome position (GRCh38, 1-based): chr10:69,343,932, C>G. VCF-style: chr10-69343932-C-G. GRCh37 (hg19) VCF-style: chr10-71103688-C-G.
Other names: c.181C>G, p.Pro61Ala (NM_001322364.2, NM_001358263.1, NM_033497.3 and 1 more transcripts); c.274C>G, p.Pro92Ala (NM_001322365.2); c.85C>G, p.Pro29Ala (NM_001322366.1); c.169C>G, p.Pro57Ala (NM_001322367.1); c.166C>G, p.Pro56Ala (NM_033496.3); c.133C>G, p.Pro45Ala (NM_033500.2); short protein forms P56A, P45A, P29A, P57A, P92A, P61A.
Identifiers: ClinVar variation 2853820 (VCV002853820.3), dbSNP rs752650609, ClinGen allele CA5532252.

ClinVar aggregate classification (germline): Uncertain significance (1 of 4 stars; one submission).

Allele frequency attached by ClinVar (database versions not stated): ExAC 0.00001.

Submission:

Labcorp Genetics (formerly Invitae), Labcorp
Classification: Uncertain significance. Last evaluated: 2023-04-09. Review status: criteria provided, single submitter. Criteria: Invitae Variant Classification Sherloc (09022015). Collection method: clinical testing. Allele origin: germline.
Comment: In summary, the available evidence is currently insufficient to determine the role of this variant in disease. Therefore, it has been classified as a Variant of Uncertain Significance. Advanced modeling of protein sequence and biophysical properties (such as structural, functional, and spatial information, amino acid conservation, physicochemical variation, residue mobility, and thermodynamic stability) performed at Invitae indicates that this missense variant is not expected to disrupt HK1 protein function. This variant has not been reported in the literature in individuals affected with HK1-related conditions. This variant is present in population databases (rs752650609, gnomAD 0.006%). This sequence change replaces proline, which is neutral and non-polar, with alanine, which is neutral and non-polar, at codon 57 of the HK1 protein (p.Pro57Ala).